The following is an entry in ClinVar:

NM_021008.4(DEAF1):c.1024A>G (p.Thr342Ala)

Gene: DEAF1 (DEAF1 transcription factor; minus strand). Cytogenetic location: 11p15.5.
Variant type: single nucleotide variant.
Coding change: c.1024A>G on transcript NM_021008.4 (MANE Select); coding-DNA position 1024, A replaced by G.
Protein change: p.Thr342Ala; replaces threonine 342 with alanine.
Molecular consequence: missense variant.
Genome position (GRCh38, 1-based): chr11:679,790, T>C on the plus strand (A>G on the coding strand, the complement: DEAF1 is on the minus strand). VCF-style: chr11-679790-T-C. GRCh37 (hg19) VCF-style: chr11-679790-T-C.
Other names: c.757A>G, p.Thr253Ala (NM_001293634.2); c.298A>G, p.Thr100Ala (NM_001367390.1); short protein forms T253A, T100A, T342A.
Identifiers: ClinVar variation 1496951 (VCV001496951.8), dbSNP rs2133380601, ClinGen allele CA378926557.

ClinVar aggregate classification (germline): Uncertain significance (1 of 4 stars; one submission).

Allele frequency attached by ClinVar (database versions not stated): gnomAD exomes below 0.00001.
gnomAD v4.1: 1 of 1,613,880 alleles (0.000062%); highest among the groups gnomAD compares: Non-Finnish European, 0.000085%; no homozygotes.

Submission:

Labcorp Genetics (formerly Invitae), Labcorp
Classification: Uncertain significance. Last evaluated: 2020-12-24. Review status: criteria provided, single submitter. Criteria: Invitae Variant Classification Sherloc (09022015). Collection method: clinical testing. Allele origin: germline.
Comment: In summary, the available evidence is currently insufficient to determine the role of this variant in disease. Therefore, it has been classified as a Variant of Uncertain Significance. Advanced modeling of protein sequence and biophysical properties (such as structural, functional, and spatial information, amino acid conservation, physicochemical variation, residue mobility, and thermodynamic stability) performed at Invitae indicates that this missense variant is not expected to disrupt DEAF1 protein function. This variant has not been reported in the literature in individuals with DEAF1-related conditions. This variant is not present in population databases (ExAC no frequency). This sequence change replaces threonine with alanine at codon 342 of the DEAF1 protein (p.Thr342Ala). The threonine residue is highly conserved and there is a small physicochemical difference between threonine and alanine.